The following is an entry in ClinVar:

NM_006514.4(SCN10A):c.2153C>T (p.Ala718Val)

Gene: SCN10A (sodium voltage-gated channel alpha subunit 10; minus strand). Cytogenetic location: 3p22.2.
Variant type: single nucleotide variant.
Coding change: c.2153C>T on transcript NM_006514.4 (MANE Select); coding-DNA position 2153, C replaced by T.
Protein change: p.Ala718Val; replaces alanine 718 with valine.
Molecular consequence: missense variant.
Genome position (GRCh38, 1-based): chr3:38,739,642, G>A on the plus strand (C>T on the coding strand, the complement: SCN10A is on the minus strand). VCF-style: chr3-38739642-G-A. GRCh37 (hg19) VCF-style: chr3-38781133-G-A.
Other names: c.1859C>T, p.Ala620Val (NM_001293307.2); c.2153C>T, p.Ala718Val (NM_001293306.2); short protein forms A620V, A718V.
Identifiers: ClinVar variation 3438153 (VCV003438153.3).

ClinVar aggregate classification (germline): Uncertain significance. Review status: criteria provided, multiple submitters, no conflicts (2 of 4 stars). 2 submissions from 2 submitters: Uncertain significance (2). Last evaluated 2024-11-17.

Conditions:
Cardiovascular phenotype. Identifiers: MedGen CN230736.
Brugada syndrome. Also called: Sudden unexplained nocturnal death syndrome; Sudden Unexplained Death Syndrome; Sudden Unexplained Nocturnal Death Syndrome (SUNDS); Sudden unexpected nocturnal death syndrome. Identifiers: Orphanet 130, MedGen C1142166, MONDO:0015263.

gnomAD v4.1: 4 of 1,613,962 alleles (0.00025%); highest among the groups gnomAD compares: African/African-American, 0.0053%; no homozygotes.

Submissions (2):

Ambry Genetics
Classification: Uncertain significance for Cardiovascular phenotype. Last evaluated: 2024-11-17. Review status: criteria provided, single submitter. Criteria: Ambry Variant Classification Scheme 2023. Collection method: clinical testing. Allele origin: germline.
Comment: The p.A718V variant (also known as c.2153C>T), located in coding exon 14 of the SCN10A gene, results from a C to T substitution at nucleotide position 2153. The alanine at codon 718 is replaced by valine, an amino acid with similar properties. This amino acid position is conserved. In addition, this alteration is predicted to be deleterious by in silico analysis. Based on the available evidence, the clinical significance of this variant remains unclear.

Labcorp Genetics (formerly Invitae), Labcorp
Classification: Uncertain significance for Brugada syndrome. Last evaluated: 2024-11-13. Review status: criteria provided, single submitter. Criteria: Invitae Variant Classification Sherloc (09022015). Collection method: clinical testing. Allele origin: germline.
Comment: This sequence change replaces alanine, which is neutral and non-polar, with valine, which is neutral and non-polar, at codon 718 of the SCN10A protein (p.Ala718Val). This variant is present in population databases (no rsID available, gnomAD 0.01%). This variant has not been reported in the literature in individuals affected with SCN10A-related conditions. Invitae Evidence Modeling of protein sequence and biophysical properties (such as structural, functional, and spatial information, amino acid conservation, physicochemical variation, residue mobility, and thermodynamic stability) indicates that this missense variant is expected to disrupt SCN10A protein function with a positive predictive value of 80%. In summary, the available evidence is currently insufficient to determine the role of this variant in disease. Therefore, it has been classified as a Variant of Uncertain Significance.